The following is an entry in ClinVar:

ClinVar aggregate classification (germline): Uncertain significance (1 of 4 stars; one submission).

Allele frequency attached by ClinVar (database versions not stated): gnomAD 0.00004; TOPMed 0.00005.
gnomAD v4.1: 43 of 1,613,910 alleles (0.0027%); highest among the groups gnomAD compares: South Asian, 0.012%; no homozygotes.

Submission:

Labcorp Genetics (formerly Invitae), Labcorp
Classification: Uncertain significance. Last evaluated: 2021-12-29. Review status: criteria provided, single submitter. Criteria: Invitae Variant Classification Sherloc (09022015). Collection method: clinical testing. Allele origin: germline.
Comment: This sequence change replaces threonine, which is neutral and polar, with methionine, which is neutral and non-polar, at codon 445 of the C8B protein (p.Thr445Met). This variant is present in population databases (rs138837336, gnomAD 0.03%). This variant has not been reported in the literature in individuals affected with C8B-related conditions. Algorithms developed to predict the effect of missense changes on protein structure and function are either unavailable or do not agree on the potential impact of this missense change (SIFT: "Deleterious"; PolyPhen-2: "Probably Damaging"; Align-GVGD: "Class C0"). In summary, the available evidence is currently insufficient to determine the role of this variant in disease. Therefore, it has been classified as a Variant of Uncertain Significance.

NM_000066.4(C8B):c.1334C>T (p.Thr445Met)

Gene: C8B (complement C8 beta chain; minus strand). Cytogenetic location: 1p32.2.
Variant type: single nucleotide variant.
Coding change: c.1334C>T on transcript NM_000066.4 (MANE Select); coding-DNA position 1334, C replaced by T.
Protein change: p.Thr445Met; replaces threonine 445 with methionine.
Molecular consequence: missense variant.
Genome position (GRCh38, 1-based): chr1:56,940,913, G>A on the plus strand (C>T on the coding strand, the complement: C8B is on the minus strand). VCF-style: chr1-56940913-G-A. GRCh37 (hg19) VCF-style: chr1-57406586-G-A.
Other names: c.1178C>T, p.Thr393Met (NM_001278543.2); c.1148C>T, p.Thr383Met (NM_001278544.2); short protein forms T383M, T445M, T393M.
Identifiers: ClinVar variation 1934062 (VCV001934062.2), dbSNP rs138837336, ClinGen allele CA875676.